The following is an entry in ClinVar:

NM_144997.7(FLCN):c.1166A>G (p.Glu389Gly)

Gene: FLCN (folliculin; minus strand). Cytogenetic location: 17p11.2.
Variant type: single nucleotide variant.
Coding change: c.1166A>G on transcript NM_144997.7 (MANE Select); coding-DNA position 1166, A replaced by G.
Protein change: p.Glu389Gly; replaces glutamic acid 389 with glycine.
Molecular consequence: missense variant.
Genome position (GRCh38, 1-based): chr17:17,217,079, T>C on the plus strand (A>G on the coding strand, the complement: FLCN is on the minus strand). VCF-style: chr17-17217079-T-C. GRCh37 (hg19) VCF-style: chr17-17120393-T-C.
Other names: c.1220A>G, p.Glu407Gly (NM_001353229.2); c.1166A>G, p.Glu389Gly (NM_001353230.2, NM_001353231.2); short protein forms E389G, E407G.
Identifiers: ClinVar variation 2194446 (VCV002194446.5), dbSNP rs1191271710, ClinGen allele CA398532126.

ClinVar aggregate classification (germline): Uncertain significance. Review status: criteria provided, multiple submitters, no conflicts (2 of 4 stars). 2 submissions from 2 submitters: Uncertain significance (2). Last evaluated 2026-04-26.

Conditions:
Hereditary cancer-predisposing syndrome. Also called: Tumor predisposition; Hereditary Cancer Syndrome; Hereditary neoplastic syndrome; Neoplastic Syndromes, Hereditary. Identifiers: Orphanet 140162, MedGen C0027672, MeSH D009386, MONDO:0015356.
Birt-Hogg-Dube syndrome. Also called: Birt Hogg Dubé syndrome. Identifiers: Orphanet 122, MedGen C0346010, MONDO:0800444.

Allele frequency attached by ClinVar (database versions not stated): gnomAD exomes below 0.00001; TOPMed below 0.00001; gnomAD 0.00001.
gnomAD v4.1: 4 of 1,611,700 alleles (0.00025%); highest among the groups gnomAD compares: Non-Finnish European, 0.00034%; no homozygotes.

Submissions (2):

Ambry Genetics
Classification: Uncertain significance for Hereditary cancer-predisposing syndrome. Last evaluated: 2026-04-26. Review status: criteria provided, single submitter. Criteria: Ambry Variant Classification Scheme 2023. Collection method: clinical testing. Allele origin: germline.
Comment: The p.E389G variant (also known as c.1166A>G), located in coding exon 7 of the FLCN gene, results from an A to G substitution at nucleotide position 1166. The glutamic acid at codon 389 is replaced by glycine, an amino acid with similar properties. This amino acid position is conserved. In addition, the in silico prediction for this alteration is inconclusive. Based on the available evidence, the clinical significance of this variant remains unclear.

Labcorp Genetics (formerly Invitae), Labcorp
Classification: Uncertain significance for Birt-Hogg-Dube syndrome. Last evaluated: 2022-09-10. Review status: criteria provided, single submitter. Criteria: Invitae Variant Classification Sherloc (09022015). Collection method: clinical testing. Allele origin: germline.
Comment: This sequence change replaces glutamic acid, which is acidic and polar, with glycine, which is neutral and non-polar, at codon 389 of the FLCN protein (p.Glu389Gly). This variant is not present in population databases (gnomAD no frequency). This variant has not been reported in the literature in individuals affected with FLCN-related conditions. Advanced modeling of protein sequence and biophysical properties (such as structural, functional, and spatial information, amino acid conservation, physicochemical variation, residue mobility, and thermodynamic stability) performed at Invitae indicates that this missense variant is not expected to disrupt FLCN protein function. In summary, the available evidence is currently insufficient to determine the role of this variant in disease. Therefore, it has been classified as a Variant of Uncertain Significance.